The following is an entry in ClinVar:

ClinVar aggregate classification (germline): Conflicting classifications of pathogenicity. Review status: criteria provided, conflicting classifications (1 of 4 stars). 3 submissions from 3 submitters: Uncertain significance (1); Likely benign (2). Last evaluated 2025-05-04.

Conditions:
Hereditary cancer-predisposing syndrome. Also called: Hereditary neoplastic syndrome; Hereditary Cancer Syndrome; Tumor predisposition; Neoplastic Syndromes, Hereditary. Identifiers: Orphanet 140162, MedGen C0027672, MeSH D009386, MONDO:0015356.

Submissions (3):

GeneDx
Classification: Uncertain significance. Last evaluated: 2025-05-04. Review status: criteria provided, single submitter. Criteria: GeneDx Variant Classification Process June 2021. Collection method: clinical testing. Allele origin: germline. Affected: yes.
Comment: Not observed at significant frequency in large population cohorts (gnomAD); Has not been previously published as pathogenic or benign to our knowledge; In silico analysis is inconclusive as to whether the variant alters gene splicing. In the absence of RNA/functional studies, the actual effect of this sequence change is unknown

Ambry Genetics
Classification: Likely benign for Hereditary cancer-predisposing syndrome. Last evaluated: 2022-05-01. Review status: criteria provided, single submitter. Criteria: Ambry Variant Classification Scheme 2023. Collection method: clinical testing. Allele origin: germline.

Labcorp Genetics (formerly Invitae), Labcorp
Classification: Likely benign. Last evaluated: 2021-05-02. Review status: criteria provided, single submitter. Criteria: Invitae Variant Classification Sherloc (09022015). Collection method: clinical testing. Allele origin: germline.

NM_006231.4(POLE):c.336T>C (p.Cys112=)

Gene: POLE (DNA polymerase epsilon, catalytic subunit; minus strand). Cytogenetic location: 12q24.33.
Variant type: single nucleotide variant.
Coding change: c.336T>C on transcript NM_006231.4 (MANE Select); coding-DNA position 336, T replaced by C.
Protein change: p.Cys112=; no amino-acid change (cysteine 112 retained).
Molecular consequence: synonymous variant.
Genome position (GRCh38, 1-based): chr12:132,680,041, A>G on the plus strand (T>C on the coding strand, the complement: POLE is on the minus strand). VCF-style: chr12-132680041-A-G. GRCh37 (hg19) VCF-style: chr12-133256627-A-G.
Identifiers: ClinVar variation 1154346 (VCV001154346.12), dbSNP rs2136029186, ClinGen allele CA482725077.